The following is an entry in ClinVar:

NM_000718.4(CACNA1B):c.2925G>C (p.Pro975=)

Gene: CACNA1B (calcium voltage-gated channel subunit alpha1 B; plus strand). Cytogenetic location: 9q34.3.
Variant type: single nucleotide variant.
Coding change: c.2925G>C on transcript NM_000718.4 (MANE Select); coding-DNA position 2925, G replaced by C.
Protein change: p.Pro975=; no amino-acid change (proline 975 retained).
Molecular consequence: synonymous variant.
Genome position (GRCh38, 1-based): chr9:138,023,668, G>C. VCF-style: chr9-138023668-G-C. GRCh37 (hg19) VCF-style: chr9-140918120-G-C.
Other names: c.2925G>C, p.Pro975= (NM_001243812.2).
Identifiers: ClinVar variation 771882 (VCV000771882.42), dbSNP rs201396139, ClinGen allele CA5376505.

ClinVar aggregate classification (germline): Benign/Likely benign. Review status: criteria provided, multiple submitters, no conflicts (2 of 4 stars). 4 submissions from 4 submitters: Benign (1); Likely benign (3). Last evaluated 2026-09-01.

Allele frequency attached by ClinVar (database versions not stated): 1000 Genomes Project 30x 0.00578; gnomAD exomes 0.00666 and 0.00680; TOPMed 0.00683; ExAC 0.00773; 1000 Genomes Project 0.00419; gnomAD 0.00530 and 0.00553.
gnomAD v4.1: 10,045 of 1,494,108 alleles (0.67%); highest among the groups gnomAD compares: Middle Eastern, 1%; 57 homozygotes.

Submissions (4):

CeGaT Center for Human Genetics Tuebingen
Classification: Likely benign. Last evaluated: 2026-09-01. Review status: criteria provided, single submitter. Criteria: CeGaT Center For Human Genetics Tuebingen Variant Classification Criteria Version 2. Collection method: clinical testing. Allele origin: germline. Affected: yes. Observed: 46 variant alleles.
Comment: CACNA1B: BP4, BP7, BS2

Labcorp Genetics (formerly Invitae), Labcorp
Classification: Benign. Last evaluated: 2026-02-03. Review status: criteria provided, single submitter. Criteria: Invitae Variant Classification Sherloc (09022015). Collection method: clinical testing. Allele origin: germline.

GeneDx
Classification: Likely benign. Last evaluated: 2021-04-06. Review status: criteria provided, single submitter. Criteria: GeneDx Variant Classification Process June 2021. Collection method: clinical testing. Allele origin: germline. Affected: yes.

Breakthrough Genomics
Classification: Likely benign. Review status: criteria provided, single submitter. Criteria: ACMG Guidelines, 2015. Collection method: not provided. Allele origin: germline. Inheritance: Autosomal recessive inheritance. Affected: yes.